The following is an entry in ClinVar:

NM_138694.4(PKHD1):c.4653delinsTT (p.Val1552fs)

Genes: PKHD1 (PKHD1 ciliary IPT domain containing fibrocystin/polyductin; minus strand), LOC126859690 (MED14-independent group 3 enhancer GRCh37_chr6:51888848-51890047; plus strand). Cytogenetic location: 6p12.2.
Variant type: Indel.
Coding change: c.4653delinsTT on transcript NM_138694.4 (MANE Select); coding-DNA position 4653, A replaced by TT.
Protein change: p.Val1552fs; shifts the reading frame from valine 1552.
Molecular consequence: frameshift variant.
Genome position (GRCh38, 1-based): chr6:52,025,157, T replaced by AA on the plus strand (A replaced by TT on the coding strand, the reverse complement: PKHD1 is on the minus strand). VCF-style: chr6-52025157-T-AA. GRCh37 (hg19) VCF-style: chr6-51889955-T-AA.
Other names: c.4653delinsTT, p.Val1552fs (NM_170724.3); short protein forms V1552fs.
Identifiers: ClinVar variation 4816671 (VCV004816671.1).

ClinVar aggregate classification (germline): Likely pathogenic (1 of 4 stars; one submission).

Conditions:
Autosomal recessive polycystic kidney disease (ARPKD). Also called: AR polycystic kidney disease. Identifiers: Orphanet 731, Orphanet 8378, MedGen C0085548, MeSH D017044, MONDO:0009889.

Submission:

Natera, Inc.
Classification: Likely pathogenic for Autosomal recessive polycystic kidney disease. Last evaluated: 2024-09-18. Review status: criteria provided, single submitter. Criteria: Natera Variant Classification Schema (03/2026). Collection method: clinical testing. Allele origin: germline.
Comment: The c.4653delinsTT variant in PKHD1 is a frameshift variant predicted to shift the reading frame beginning at codon 1552 and leads to a stop codon 13 codons downstream. This variant is expected to result in nonsense mediated decay, truncation, or a dysfunctional protein product. This variant is rare in the general population with a frequency below the threshold expected for the associated phenotype(s). Given the available evidence, this variant is classified as Likely Pathogenic.